The following is an entry in ClinVar:

NM_015631.6(TCTN3):c.283A>C (p.Thr95Pro)

Gene: TCTN3 (tectonic family member 3; minus strand). Cytogenetic location: 10q24.1.
Variant type: single nucleotide variant.
Coding change: c.283A>C on transcript NM_015631.6 (MANE Select); coding-DNA position 283, A replaced by C.
Protein change: p.Thr95Pro; replaces threonine 95 with proline.
Molecular consequence: missense variant.
Genome position (GRCh38, 1-based): chr10:95,693,450, T>G on the plus strand (A>C on the coding strand, the complement: TCTN3 is on the minus strand). VCF-style: chr10-95693450-T-G. GRCh37 (hg19) VCF-style: chr10-97453207-T-G.
Other names: c.283A>C, p.Thr95Pro (NM_001143973.2); short protein forms T95P.
Identifiers: ClinVar variation 242345 (VCV000242345.12), dbSNP rs749447795, ClinGen allele CA5621186.

ClinVar aggregate classification (germline): Conflicting classifications of pathogenicity. Review status: criteria provided, conflicting classifications (1 of 4 stars). 7 submissions from 7 submitters: Uncertain significance (6); Likely benign (1). Last evaluated 2026-02-10.

Conditions:
TCTN3-related disorder. Also called: TCTN3-related condition.
Orofacial-digital syndrome IV (OFD4). Also called: Orofaciodigital syndrome IV; BARAITSER-BURN SYNDROME; OFD SYNDROME WITH TIBIAL DEFECTS; OFD SYNDROME, BARAITSER-BURN TYPE; OFDS IV; ORAL-FACIAL-DIGITAL SYNDROME, TYPE IV. Identifiers: Orphanet 2753, MedGen C0406727, MONDO:0009794, OMIM 258860.
Joubert syndrome 18 (JBTS18). Identifiers: Orphanet 2754, MedGen C3553758, MONDO:0013896, OMIM 614815.

Allele frequency attached by ClinVar (database versions not stated): ExAC 0.00018; TOPMed 0.00019; gnomAD exomes 0.00020; gnomAD 0.00021 and 0.00024.
gnomAD v4.1: 644 of 1,551,378 alleles (0.042%); highest among the groups gnomAD compares: Non-Finnish European, 0.051%; no homozygotes.

Submissions (7):

PreventionGenetics, part of Exact Sciences
Classification: Uncertain significance for TCTN3-related condition. Last evaluated: 2026-02-10. Review status: criteria provided, single submitter. Criteria: ACMG Guidelines, 2015. Collection method: clinical testing. Allele origin: germline.
Comment: The TCTN3 c.283A>C variant is predicted to result in the amino acid substitution p.Thr95Pro. This variant was reported in the heterozygous state in a patient with Joubert syndrome; however, that patient was also heterozygous in the MKS1 gene for pathogenic and uncertain variants in MKS1 (Bader et al. 2016. PubMed ID: 27377014). This variant was also described as an additional variant in a cohort of individuals with Joubert syndrome (supplementary data, Phelps et al. 2018. PubMed ID: 28771248) and in a large cohort of individuals with isolated heart defects (supplementary data, reported as B:10:95693450:T:G:hg38 in Meerschaut et al. 2022. PubMed ID: 35885997). This variant is reported in 0.044% of alleles in individuals of European (Finnish) descent in gnomAD. At this time, the clinical significance of this variant is uncertain due to the absence of conclusive functional and genetic evidence.

Women's Health and Genetics/Laboratory Corporation of America, LabCorp
Classification: Likely benign. Last evaluated: 2025-04-04. Review status: criteria provided, single submitter. Criteria: LabCorp Variant Classification Summary - May 2015. Collection method: clinical testing. Allele origin: germline.
Comment: Variant summary: TCTN3 c.283A>C (p.Thr95Pro) results in a non-conservative amino acid change in the encoded protein sequence. Three of five in-silico tools predict a damaging effect of the variant on protein function. The variant allele was found at a frequency of 0.00042 in 1551378 control chromosomes, predominantly at a frequency of 0.00051 within the Non-Finnish European subpopulation in the gnomAD database. The observed variant frequency within Non-Finnish European control individuals in the gnomAD database is approximately 1.29 fold of the estimated maximal expected allele frequency for a pathogenic variant in TCTN3 causing Joubert Syndrome And Related Disorders phenotype (0.0004). c.283A>C has been reported in the literature in individuals affected with Joubert Syndrome And Related Disorders but without sufficient evidence for causality (e.g., Bader_2016, Meerschaut_2022, Phelps_2018). These report(s) do not provide unequivocal conclusions about association of the variant with Joubert Syndrome And Related Disorders. To our knowledge, no experimental evidence demonstrating an impact on protein function has been reported. The following publications have been ascertained in the context of this evaluation (PMID: 27377014, 35885997, 28771248). ClinVar contains an entry for this variant (Variation ID: 242345). Based on the evidence outlined above, the variant was classified as likely benign.

Blueprint Genetics
Classification: Uncertain significance. Last evaluated: 2024-10-17. Review status: criteria provided, single submitter. Criteria: ACMG Guidelines, 2015. Collection method: clinical testing. Allele origin: germline.

Fulgent Genetics
Classification: Uncertain significance for Orofacial-digital syndrome IV; Joubert syndrome 18. Last evaluated: 2024-03-15. Review status: criteria provided, single submitter. Criteria: ACMG Guidelines, 2015. Collection method: clinical testing. Allele origin: germline.

Labcorp Genetics (formerly Invitae), Labcorp
Classification: Uncertain significance for Joubert syndrome 18; Orofacial-digital syndrome IV. Last evaluated: 2022-08-09. Review status: criteria provided, single submitter. Criteria: Invitae Variant Classification Sherloc (09022015). Collection method: clinical testing. Allele origin: germline.
Comment: This sequence change replaces threonine, which is neutral and polar, with proline, which is neutral and non-polar, at codon 95 of the TCTN3 protein (p.Thr95Pro). This variant is present in population databases (rs749447795, gnomAD 0.05%). This variant has not been reported in the literature in individuals affected with TCTN3-related conditions. ClinVar contains an entry for this variant (Variation ID: 242345). Algorithms developed to predict the effect of missense changes on protein structure and function are either unavailable or do not agree on the potential impact of this missense change (SIFT: "Deleterious"; PolyPhen-2: "Probably Damaging"; Align-GVGD: "Class C0"). In summary, the available evidence is currently insufficient to determine the role of this variant in disease. Therefore, it has been classified as a Variant of Uncertain Significance.

Victorian Clinical Genetics Services, Murdoch Childrens Research Institute
Classification: Uncertain significance for Joubert syndrome 18. Last evaluated: 2020-10-19. Review status: criteria provided, single submitter. Criteria: ACMG Guidelines, 2015. Collection method: clinical testing. Allele origin: germline. Inheritance: Autosomal recessive inheritance.
Comment: Based on the classification scheme VCGS_Germline_v1.3.3, this variant is classified as 3B-VUS. Following criteria are met: 0102 - Loss of function is a known mechanism of disease in this gene and is associated with Joubert syndrome (MIM#614815). (I) 0106 - This gene is associated with autosomal recessive disease. (I) 0200 - Variant is predicted to result in a missense amino acid change from threonine to proline. (I) 0251 - This variant is heterozygous. (I) 0304 - Variant is present in gnomAD (v2) <0.01 for a recessive condition ([#] (40 heterozygotes, 0 homozygotes). (SP) 0501 - Missense variant consistently predicted to be damaging by multiple in silico tools or highly conserved with a major amino acid change. (SP) 0604 - Variant is not located in an established domain, motif, hotspot or informative constraint region. (I) 0705 - No comparable missense variants have previous evidence for pathogenicity. (I) 0809 - Previous evidence of pathogenicity for this variant is inconclusive. The variant has previously been classified as a VUS and was identified in individuals where another variant in a different gene was found to be causative of their disease (ClinVar, PMID: 27377014, PMID: 28771248). (I) 0905 - No published segregation evidence has been identified for this variant. (I) 1007 - No published functional evidence has been identified for this variant. (I) Legend: (SP) - Supporting pathogenic, (I) - Information, (SB) - Supporting benign

Universitätsklinikum Salzburg, Universitätskinderklinik
Classification: Uncertain significance. Last evaluated: 2016-06-19. Review status: criteria provided, single submitter. Criteria: ACMG Guidelines, 2015. Collection method: clinical testing. Allele origin: maternal. Affected: yes. Observed: 1 variant allele.

Literature cited by the submitters: PubMed 28771248 (cited by Women's Health and Genetics/Laboratory Corporation of America, LabCorp and Victorian Clinical Genetics Services, Murdoch Childrens Research Institute); PubMed 35885997 (cited by Women's Health and Genetics/Laboratory Corporation of America, LabCorp); PubMed 27377014 (cited by 3 submitters).